The following is an entry in ClinVar:

NM_000426.4(LAMA2):c.5195dup (p.Asn1732fs)

Gene: LAMA2 (laminin subunit alpha 2; plus strand). Cytogenetic location: 6q22.33.
Variant type: Duplication.
Coding change: c.5195dup on transcript NM_000426.4 (MANE Select); coding-DNA position 5195, one base duplicated (A; older notation c.5195dupA).
Protein change: p.Asn1732fs; shifts the reading frame from asparagine 1732.
Molecular consequence: frameshift variant.
Genome position (GRCh38, 1-based): chr6:129,391,614, A duplicated; the last of 5 consecutive A bases (chr6:129,391,610-129,391,614); duplicating any one gives the same sequence. VCF-style (leftmost placement, unchanged base first): chr6-129391609-G-GA. GRCh37 (hg19) VCF-style: chr6-129712754-G-GA.
Other names: c.5195dup, p.Asn1732fs (NM_001079823.2); short protein forms N1732fs.
Identifiers: ClinVar variation 809994 (VCV000809994.47), dbSNP rs747567057, ClinGen allele CA3993798.

ClinVar aggregate classification (germline): Pathogenic/Likely pathogenic. Review status: criteria provided, multiple submitters, no conflicts (2 of 4 stars). 3 submissions from 3 submitters: Pathogenic (2); Likely pathogenic (1). Last evaluated 2024-01-02.

Conditions:
LAMA2-related muscular dystrophy (LAMA2-RD). Also called: Laminin alpha 2-related dystrophy. Identifiers: MedGen C5679788, MONDO:0100228.
Merosin deficient congenital muscular dystrophy (MDC1A). Also called: Congenital merosin-deficient muscular dystrophy 1A; Congenital Muscular Dystrophy Type 1A (MDC1A). Identifiers: Orphanet 258, MedGen C1263858, MONDO:0011925, OMIM 607855.

Submissions (3):

Baylor Genetics
Classification: Likely pathogenic for Merosin deficient congenital muscular dystrophy. Last evaluated: 2024-01-02. Review status: criteria provided, single submitter. Criteria: ACMG Guidelines, 2015. Collection method: clinical testing. Allele origin: unknown.

CeGaT Center for Human Genetics Tuebingen
Classification: Pathogenic. Last evaluated: 2024-01-01. Review status: criteria provided, single submitter. Criteria: CeGaT Center For Human Genetics Tuebingen Variant Classification Criteria Version 2. Collection method: clinical testing. Allele origin: germline. Affected: yes. Observed: 2 variant alleles.
Comment: LAMA2: PVS1, PM2

Labcorp Genetics (formerly Invitae), Labcorp
Classification: Pathogenic for LAMA2-related muscular dystrophy. Last evaluated: 2022-02-08. Review status: criteria provided, single submitter. Criteria: Invitae Variant Classification Sherloc (09022015). Collection method: clinical testing. Allele origin: germline.
Comment: For these reasons, this variant has been classified as Pathogenic. ClinVar contains an entry for this variant (Variation ID: 809994). This variant has not been reported in the literature in individuals affected with LAMA2-related conditions. This variant is present in population databases (rs747567057, gnomAD 0.002%). This sequence change creates a premature translational stop signal (p.Asn1732Lysfs*10) in the LAMA2 gene. It is expected to result in an absent or disrupted protein product. Loss-of-function variants in LAMA2 are known to be pathogenic (PMID: 18700894, 32904964).

Literature cited by the submitters: PubMed 18700894 (cited by Labcorp Genetics (formerly Invitae), Labcorp); PubMed 32904964 (cited by Labcorp Genetics (formerly Invitae), Labcorp).